The following is an entry in ClinVar:

ClinVar aggregate classification (germline): Likely benign (1 of 4 stars; one submission).

Conditions:
Diamond-Blackfan anemia 1 (DBA1). Also called: RPS19-Related Diamond-Blackfan Anemia; ERYTHROGENESIS IMPERFECTA; BLACKFAN-DIAMOND SYNDROME; ANEMIA, CONGENITAL HYPOPLASTIC, OF BLACKFAN AND DIAMOND; ANEMIA, CONGENITAL ERYTHROID HYPOPLASTIC; RED CELL APLASIA, PURE, HEREDITARY. Identifiers: Orphanet 124, MedGen C2676137, MONDO:0007110, OMIM 105650.

Allele frequency attached by ClinVar (database versions not stated): 1000 Genomes Project 0.00080; gnomAD 0.00080; TOPMed 0.00080; 1000 Genomes Project 30x 0.00094; gnomAD exomes 0.00343.
gnomAD v4.1: 121 of 153,230 alleles (0.079%); highest among the groups gnomAD compares: Admixed American, 0.2%; no homozygotes.

Submission:

Illumina Laboratory Services, Illumina
Classification: Likely benign for Diamond-Blackfan anemia 1. Last evaluated: 2018-01-13. Review status: criteria provided, single submitter. Criteria: ICSL Variant Classification Criteria 13 December 2019. Collection method: clinical testing. Allele origin: germline.
Comment: This variant was observed in the ICSL laboratory as part of a predisposition screen in an ostensibly healthy population. It had not been previously curated by ICSL or reported in the Human Gene Mutation Database (HGMD: prior to June 1st, 2018), and was therefore a candidate for classification through an automated scoring system. Utilizing variant allele frequency, disease prevalence and penetrance estimates, and inheritance mode, an automated score was calculated to assess if this variant is too frequent to cause the disease. Based on the score and internal cut-off values, a variant classified as likely benign is not then subjected to further curation. The score for this variant resulted in a classification of likely benign for this disease.

NM_001022.4(RPS19):c.-10A>G

Genes: RPS19 (ribosomal protein S19; plus strand), RPS19-CD79A (RPS19-CD79A readthrough; plus strand). Cytogenetic location: 19q13.2.
Variant type: single nucleotide variant.
Coding change: c.-10A>G on transcript NM_001022.4 (MANE Select); 10 bases upstream of the start codon, A replaced by G.
Molecular consequence: 5 prime UTR variant.
Genome position (GRCh38, 1-based): chr19:41,860,280, A>G. VCF-style: chr19-41860280-A-G. GRCh37 (hg19) VCF-style: chr19-42364350-A-G.
Other names: c.-166A>G (NM_001321484.2); c.-10A>G (NM_001321485.2).
Identifiers: ClinVar variation 329387 (VCV000329387.5), dbSNP rs564634801, ClinGen allele CA10652039.